The following is an entry in ClinVar:

ClinVar aggregate classification (germline): Uncertain significance (1 of 4 stars; one submission).

Allele frequency attached by ClinVar (database versions not stated): TOPMed below 0.00001; gnomAD 0.00001.
gnomAD v4.1: 6 of 1,610,158 alleles (0.00037%); highest among the groups gnomAD compares: Non-Finnish European, 0.00051%; no homozygotes.

Submission:

Mayo Clinic Laboratories, Mayo Clinic
Classification: Uncertain significance. Last evaluated: 2022-03-15. Review status: criteria provided, single submitter. Criteria: ACMG Guidelines, 2015. Collection method: clinical testing. Allele origin: germline. Observed: 1 variant allele.
Comment: PM2

NM_018706.7(DHTKD1):c.2302A>T (p.Met768Leu)

Gene: DHTKD1 (dehydrogenase E1 and transketolase domain containing 1; plus strand). Cytogenetic location: 10p14.
Variant type: single nucleotide variant.
Coding change: c.2302A>T on transcript NM_018706.7 (MANE Select); coding-DNA position 2302, A replaced by T.
Protein change: p.Met768Leu; replaces methionine 768 with leucine.
Molecular consequence: missense variant.
Genome position (GRCh38, 1-based): chr10:12,113,047, A>T. VCF-style: chr10-12113047-A-T. GRCh37 (hg19) VCF-style: chr10-12155046-A-T.
Other names: p.Met768Leu; short protein forms M768L.
Identifiers: ClinVar variation 2683095 (VCV002683095.1), dbSNP rs1196209417, ClinGen allele CA376013816.